The following is an entry in ClinVar:

NM_016734.3(PAX5):c.940G>C (p.Gly314Arg)

Gene: PAX5 (paired box 5; minus strand). Cytogenetic location: 9p13.2.
Variant type: single nucleotide variant.
Coding change: c.940G>C on transcript NM_016734.3 (MANE Select); coding-DNA position 940, G replaced by C.
Protein change: p.Gly314Arg; replaces glycine 314 with arginine.
Molecular consequence: missense variant. On other transcripts: intron variant (6), non-coding transcript variant (2).
Genome position (GRCh38, 1-based): chr9:36,882,076, C>G on the plus strand (G>C on the coding strand, the complement: PAX5 is on the minus strand). VCF-style: chr9-36882076-C-G. GRCh37 (hg19) VCF-style: chr9-36882073-C-G.
Other names: c.713-35147G>C (NM_001280555.2); c.781-41440G>C (NM_001280550.2); c.781-35147G>C (NM_001280549.2); c.910+41279G>C (NM_001280552.2); c.911-35147G>C (NM_001280547.2); c.940G>C, p.Gly314Arg (NM_001280548.2); c.811G>C, p.Gly271Arg (NM_001280553.2, NM_001280554.2); c.616G>C, p.Gly206Arg (NM_001280556.2); and 1 more; short protein forms G271R, G314R, G206R.
Identifiers: ClinVar variation 3662726 (VCV003662726.2).

ClinVar aggregate classification (germline): Uncertain significance (1 of 4 stars; one submission).

gnomAD v4.1: 4 of 1,604,942 alleles (0.00025%); highest among the groups gnomAD compares: African/African-American, 0.0054%; no homozygotes.

Submission:

Labcorp Genetics (formerly Invitae), Labcorp
Classification: Uncertain significance. Last evaluated: 2024-07-21. Review status: criteria provided, single submitter. Criteria: Invitae Variant Classification Sherloc (09022015). Collection method: clinical testing. Allele origin: germline.
Comment: This sequence change replaces glycine, which is neutral and non-polar, with arginine, which is basic and polar, at codon 314 of the PAX5 protein (p.Gly314Arg). This variant is present in population databases (no rsID available, gnomAD 0.007%). This variant has not been reported in the literature in individuals affected with PAX5-related conditions. Advanced modeling of protein sequence and biophysical properties (such as structural, functional, and spatial information, amino acid conservation, physicochemical variation, residue mobility, and thermodynamic stability) performed at Invitae indicates that this missense variant is not expected to disrupt PAX5 protein function with a negative predictive value of 80%. In summary, the available evidence is currently insufficient to determine the role of this variant in disease. Therefore, it has been classified as a Variant of Uncertain Significance.